The following is an entry in ClinVar:

ClinVar aggregate classification (germline): Uncertain significance (1 of 4 stars; one submission).

gnomAD v4.1: 5 of 1,613,512 alleles (0.00031%); highest among the groups gnomAD compares: Non-Finnish European, 0.00034%; no homozygotes.

Submission:

GeneDx
Classification: Uncertain significance. Last evaluated: 2024-05-08. Review status: criteria provided, single submitter. Criteria: GeneDx Variant Classification Process June 2021. Collection method: clinical testing. Allele origin: germline. Affected: yes.
Comment: Nonsense variant predicted to result in protein truncation or nonsense mediated decay in a gene or region of a gene for which loss of function is not a well-established mechanism of disease; In silico analysis is inconclusive as to whether the variant alters gene splicing. In the absence of RNA/functional studies, the actual effect of this sequence change is unknown.; Not observed at significant frequency in large population cohorts (gnomAD); Has not been previously published as pathogenic or benign to our knowledge

NM_020297.4(ABCC9):c.2812C>T (p.Arg938Ter)

Gene: ABCC9 (ATP binding cassette subfamily C member 9; minus strand). Cytogenetic location: 12p12.1.
Variant type: single nucleotide variant.
Coding change: c.2812C>T on transcript NM_020297.4 (MANE Select); coding-DNA position 2812, C replaced by T.
Protein change: p.Arg938Ter; replaces arginine 938 with a stop codon.
Molecular consequence: nonsense.
Genome position (GRCh38, 1-based): chr12:21,848,204, G>A on the plus strand (C>T on the coding strand, the complement: ABCC9 is on the minus strand). VCF-style: chr12-21848204-G-A. GRCh37 (hg19) VCF-style: chr12-22001138-G-A.
Other names: c.2812C>T, p.Arg938Ter (NM_001377273.1, NM_005691.4); c.1945C>T, p.Arg649Ter (NM_001377274.1); short protein forms R649*, R938*.
Identifiers: ClinVar variation 3375558 (VCV003375558.1).